The following is an entry in ClinVar:

NM_005475.3(SH2B3):c.988T>A (p.Ser330Thr)

Gene: SH2B3 (SH2B adaptor protein 3; plus strand). Cytogenetic location: 12q24.12.
Variant type: single nucleotide variant.
Coding change: c.988T>A on transcript NM_005475.3 (MANE Select); coding-DNA position 988, T replaced by A.
Protein change: p.Ser330Thr; replaces serine 330 with threonine.
Molecular consequence: missense variant.
Genome position (GRCh38, 1-based): chr12:111,447,186, T>A. VCF-style: chr12-111447186-T-A. GRCh37 (hg19) VCF-style: chr12-111884990-T-A.
Other names: c.382T>A, p.Ser128Thr (NM_001291424.1); short protein forms S128T, S330T.
Identifiers: ClinVar variation 5029508 (VCV005029508.1).

ClinVar aggregate classification (germline): Uncertain significance (1 of 4 stars; one submission).

Conditions:
Inborn genetic diseases. Identifiers: MedGen C0950123, MeSH D030342.

gnomAD v4.1: 1 of 1,613,812 alleles (0.000062%); highest among the groups gnomAD compares: Non-Finnish European, 0.000085%; no homozygotes.

Submission:

Ambry Genetics
Classification: Uncertain significance for Inborn genetic diseases. Last evaluated: 2026-08-18. Review status: criteria provided, single submitter. Criteria: Ambry Variant Classification Scheme 2023. Collection method: clinical testing. Allele origin: germline.
Comment: The p.S330T variant (also known as c.988T>A), located in coding exon 4 of the SH2B3 gene, results from a T to A substitution at nucleotide position 988. The serine at codon 330 is replaced by threonine, an amino acid with similar properties. This amino acid position is conserved. In addition, this alteration is predicted to be tolerated by in silico analysis. Based on the available evidence, the clinical significance of this variant remains unclear.